The following is an entry in ClinVar:

NM_006618.5(KDM5B):c.4144C>T (p.Arg1382Ter)

Gene: KDM5B (lysine demethylase 5B; minus strand). Cytogenetic location: 1q32.1.
Variant type: single nucleotide variant.
Coding change: c.4144C>T on transcript NM_006618.5 (MANE Select); coding-DNA position 4144, C replaced by T.
Protein change: p.Arg1382Ter; replaces arginine 1382 with a stop codon.
Molecular consequence: nonsense.
Genome position (GRCh38, 1-based): chr1:202,730,941, G>A on the plus strand (C>T on the coding strand, the complement: KDM5B is on the minus strand). VCF-style: chr1-202730941-G-A. GRCh37 (hg19) VCF-style: chr1-202700069-G-A.
Other names: c.4252C>T, p.Arg1418Ter (NM_001314042.2); c.4009C>T, p.Arg1337Ter (NM_001347591.2); c.4129C>T, p.Arg1377Ter (NM_001399817.1); short protein forms R1337*, R1377*, R1382*, R1418*.
Identifiers: ClinVar variation 4071617 (VCV004071617.2).
Genomic context (GRCh38, chr1:202,730,941, plus strand): 5'-TTGCCCCAGAAGCCTCTCAGACACTCACCTTCTCACTGCTGGGTCTCACTGGTGAGCTTC[G>A]GTCAGTCTGCTGAGCAGGGCTTGGCTTTGCAAGTAAAGTCTGGTAAAGTTCCTGAATTTC-3'

ClinVar aggregate classification (germline): Likely pathogenic (1 of 4 stars; one submission).

gnomAD v4.1: 13 of 1,611,518 alleles (0.00081%); highest among the groups gnomAD compares: African/African-American, 0.0027%; no homozygotes.

Submission:

GeneDx
Classification: Likely pathogenic. Last evaluated: 2026-08-21. Review status: criteria provided, single submitter. Criteria: GeneDx Variant Classification Process June 2021. Collection method: clinical testing. Allele origin: germline.
Comment: Nonsense variant predicted to result in protein truncation or nonsense mediated decay in a gene for which loss of function is a known mechanism of disease; Not observed at significant frequency in large population cohorts (gnomAD); Has not been previously published as pathogenic or benign to our knowledge